The following is an entry in ClinVar:

NM_006949.4(STXBP2):c.626T>A (p.Leu209Gln)

Gene: STXBP2 (syntaxin binding protein 2; plus strand). Cytogenetic location: 19p13.2.
Variant type: single nucleotide variant.
Coding change: c.626T>A on transcript NM_006949.4 (MANE Select); coding-DNA position 626, T replaced by A.
Protein change: p.Leu209Gln; replaces leucine 209 with glutamine.
Molecular consequence: missense variant. On other transcripts: non-coding transcript variant (1).
Genome position (GRCh38, 1-based): chr19:7,642,081, T>A. VCF-style: chr19-7642081-T-A. GRCh37 (hg19) VCF-style: chr19-7706967-T-A.
Other names: c.617T>A, p.Leu206Gln (NM_001127396.3); c.659T>A, p.Leu220Gln (NM_001272034.2); c.530T>A, p.Leu177Gln (NM_001414484.1); short protein forms L177Q, L206Q, L209Q, L220Q.
Identifiers: ClinVar variation 3907562 (VCV003907562.1).

ClinVar aggregate classification (germline): Uncertain significance (1 of 4 stars; one submission).

gnomAD v4.1: 3 of 1,613,942 alleles (0.00019%); highest among the groups gnomAD compares: African/African-American, 0.0013%; no homozygotes.

Submission:

Women's Health and Genetics/Laboratory Corporation of America, LabCorp
Classification: Uncertain significance. Last evaluated: 2025-06-24. Review status: criteria provided, single submitter. Criteria: LabCorp Variant Classification Summary - May 2015. Collection method: clinical testing. Allele origin: germline.
Comment: Variant summary: STXBP2 c.626T>A (p.Leu209Gln) results in a non-conservative amino acid change in the encoded protein sequence. Algorithms developed to predict the effect of missense changes on protein structure and function all suggest that this variant is likely to be disruptive. The variant allele was found at a frequency of 4e-06 in 250928 control chromosomes. The available data on variant occurrences in the general population are insufficient to allow any conclusion about variant significance. To our knowledge, no occurrence of c.626T>A in individuals affected with Familial Hemophagocytic Lymphohistiocytosis and no experimental evidence demonstrating its impact on protein function have been reported. No submitters have cited clinical-significance assessments for this variant to ClinVar. Based on the evidence outlined above, the variant was classified as uncertain significance.